The following is an entry in ClinVar:

ClinVar aggregate classification (germline): Likely benign (1 of 4 stars; one submission).

Conditions:
PLXNA4-related disorder. Also called: PLXNA4-related condition.

Submission:

PreventionGenetics, part of Exact Sciences
Classification: Likely benign for PLXNA4-related condition. Last evaluated: 2025-12-29. Review status: criteria provided, single submitter. Criteria: ACMG Guidelines, 2015. Collection method: clinical testing. Allele origin: germline.
Comment: This variant is classified as likely benign based on ACMG/AMP sequence variant interpretation guidelines (Richards et al. 2015 PMID: 25741868, with internal and published modifications).

NM_020911.2(PLXNA4):c.4266C>T (p.His1422=)

Gene: PLXNA4 (plexin A4; minus strand). Cytogenetic location: 7q32.3.
Variant type: single nucleotide variant.
Coding change: c.4266C>T on transcript NM_020911.2 (MANE Select); coding-DNA position 4266, C replaced by T.
Protein change: p.His1422=; no amino-acid change (histidine 1422 retained).
Molecular consequence: synonymous variant.
Genome position (GRCh38, 1-based): chr7:132,168,324, G>A on the plus strand (C>T on the coding strand, the complement: PLXNA4 is on the minus strand). VCF-style: chr7-132168324-G-A. GRCh37 (hg19) VCF-style: chr7-131853083-G-A.
Other names: c.4266C>T, p.His1422= (NM_001393897.1).
Identifiers: ClinVar variation 4997835 (VCV004997835.1).